The following is an entry in ClinVar:

ClinVar aggregate classification (germline): Uncertain significance (1 of 4 stars; one submission).

Conditions:
Inborn genetic diseases. Identifiers: MedGen C0950123, MeSH D030342.

Allele frequency attached by ClinVar (database versions not stated): gnomAD exomes below 0.00001; TOPMed 0.00006.
gnomAD v4.1: 1 of 1,613,816 alleles (0.000062%); highest among the groups gnomAD compares: Non-Finnish European, 0.000085%; no homozygotes.

Submission:

Ambry Genetics
Classification: Uncertain significance for Inborn genetic diseases. Last evaluated: 2025-04-07. Review status: criteria provided, single submitter. Criteria: Ambry Variant Classification Scheme 2023. Collection method: clinical testing. Allele origin: germline.
Comment: The p.E558K variant (also known as c.1672G>A), located in coding exon 12 of the ASXL1 gene, results from a G to A substitution at nucleotide position 1672. The glutamic acid at codon 558 is replaced by lysine, an amino acid with similar properties. This amino acid position is conserved. In addition, the in silico prediction for this alteration is inconclusive. Based on the available evidence, the clinical significance of this variant remains unclear.

NM_015338.6(ASXL1):c.1672G>A (p.Glu558Lys)

Gene: ASXL1 (ASXL transcriptional regulator 1; plus strand). Cytogenetic location: 20q11.21.
Variant type: single nucleotide variant.
Coding change: c.1672G>A on transcript NM_015338.6 (MANE Select); coding-DNA position 1672, G replaced by A.
Protein change: p.Glu558Lys; replaces glutamic acid 558 with lysine.
Molecular consequence: missense variant.
Genome position (GRCh38, 1-based): chr20:32,433,870, G>A. VCF-style: chr20-32433870-G-A. GRCh37 (hg19) VCF-style: chr20-31021673-G-A.
Other names: c.1489G>A, p.Glu497Lys (NM_001363734.1); short protein forms E497K, E558K.
Identifiers: ClinVar variation 3130590 (VCV003130590.2), dbSNP rs899345535, ClinGen allele CA313926215.
Genomic context (GRCh38, chr20:32,433,870, plus strand): 5'-AAGAAGCCCCGGCTTGAAGATCGTCAGTCCTTTCGTAACACAATTGAAAGTGTTCACACC[G>A]AAAAGCCACAGCCCACTAAAGAGGAGCCCAAAGTCCCGCCCATCCGGGTAGGAGACTGTT-3'
Protein context (NP_056153.2, residues 548-568): FRNTIESVHT[Glu558Lys]KPQPTKEEPK